The following is an entry in ClinVar:

NM_004369.4(COL6A3):c.759C>T (p.Thr253=)

Gene: COL6A3 (collagen type VI alpha 3 chain; minus strand). Cytogenetic location: 2q37.3.
Variant type: single nucleotide variant.
Coding change: c.759C>T on transcript NM_004369.4 (MANE Select); coding-DNA position 759, C replaced by T.
Protein change: p.Thr253=; no amino-acid change (threonine 253 retained).
Molecular consequence: synonymous variant. On other transcripts: intron variant (2).
Genome position (GRCh38, 1-based): chr2:237,388,135, G>A on the plus strand (C>T on the coding strand, the complement: COL6A3 is on the minus strand). VCF-style: chr2-237388135-G-A. GRCh37 (hg19) VCF-style: chr2-238296778-G-A.
Other names: c.141C>T, p.Thr47= (NM_057165.5, NM_057167.4); c.92-6636C>T (NM_057166.5, NM_057164.5).
Identifiers: ClinVar variation 282674 (VCV000282674.19), dbSNP rs376087730, ClinGen allele CA2189785.

ClinVar aggregate classification (germline): Conflicting classifications of pathogenicity. Review status: criteria provided, conflicting classifications (1 of 4 stars). 4 submissions from 4 submitters: Uncertain significance (1); Likely benign (3). Last evaluated 2026-01-19.

Conditions:
Collagen 6-related myopathy. Identifiers: MedGen CN117976, MONDO:0100225.
Bethlem myopathy 1A. Also called: Bethlem myopathy 1; MYOPATHY, BENIGN CONGENITAL, WITH CONTRACTURES; Bethlem Muscular Dystrophy. Identifiers: Orphanet 610, MedGen CN029274, MONDO:0024530, OMIM 158810.

Allele frequency attached by ClinVar (database versions not stated): ExAC 0.00007; ESP Exome Variant Server 0.00008; gnomAD exomes 0.00010; gnomAD 0.00018 and 0.00021; TOPMed 0.00025.
gnomAD v4.1: 270 of 1,613,982 alleles (0.017%); highest among the groups gnomAD compares: Non-Finnish European, 0.02%; no homozygotes.

Submissions (4):

Labcorp Genetics (formerly Invitae), Labcorp
Classification: Likely benign for Bethlem myopathy 1A. Last evaluated: 2026-01-19. Review status: criteria provided, single submitter. Criteria: Invitae Variant Classification Sherloc (09022015). Collection method: clinical testing. Allele origin: germline.

Illumina Laboratory Services, Illumina
Classification: Likely benign for Collagen VI-related myopathy. Last evaluated: 2018-01-12. Review status: criteria provided, single submitter. Criteria: ICSL Variant Classification Criteria 13 December 2019. Collection method: clinical testing. Allele origin: germline.
Comment: This variant was observed in the ICSL laboratory as part of a predisposition screen in an ostensibly healthy population. It had not been previously curated by ICSL or reported in the Human Gene Mutation Database (HGMD: prior to June 1st, 2018), and was therefore a candidate for classification through an automated scoring system. Utilizing variant allele frequency, disease prevalence and penetrance estimates, and inheritance mode, an automated score was calculated to assess if this variant is too frequent to cause the disease. Based on the score and internal cut-off values, a variant classified as likely benign is not then subjected to further curation. The score for this variant resulted in a classification of likely benign for this disease.

Eurofins Ntd Llc (ga)
Classification: Uncertain significance. Last evaluated: 2017-11-10. Review status: criteria provided, single submitter. Criteria: EGL Classification Definitions 2015. Collection method: clinical testing. Allele origin: germline. Observed: 5 variant alleles, 4 heterozygotes.

GeneDx
Classification: Likely benign. Last evaluated: 2016-02-18. Review status: criteria provided, single submitter. Criteria: GeneDx Variant Classification (06012015). Collection method: clinical testing. Allele origin: germline. Affected: yes.
Comment: This variant is considered likely benign or benign based on one or more of the following criteria: it is a conservative change, it occurs at a poorly conserved position in the protein, it is predicted to be benign by multiple in silico algorithms, and/or has population frequency not consistent with disease.